The following is an entry in ClinVar:

ClinVar aggregate classification (germline): Uncertain significance (1 of 4 stars; one submission).

Conditions:
Dilated cardiomyopathy 1W (CMD1W). Identifiers: Orphanet 154, MedGen C1969639, MONDO:0012667, OMIM 611407.

Submission:

Labcorp Genetics (formerly Invitae), Labcorp
Classification: Uncertain significance for Dilated cardiomyopathy 1W. Last evaluated: 2023-10-25. Review status: criteria provided, single submitter. Criteria: Invitae Variant Classification Sherloc (09022015). Collection method: clinical testing. Allele origin: germline.
Comment: This sequence change replaces methionine, which is neutral and non-polar, with arginine, which is basic and polar, at codon 26 of the VCL protein (p.Met26Arg). This variant is not present in population databases (gnomAD no frequency). This variant has not been reported in the literature in individuals affected with VCL-related conditions. An algorithm developed to predict the effect of missense changes on protein structure and function (PolyPhen-2) suggests that this variant is likely to be disruptive. In summary, the available evidence is currently insufficient to determine the role of this variant in disease. Therefore, it has been classified as a Variant of Uncertain Significance.

NM_014000.3(VCL):c.77T>G (p.Met26Arg)

Genes: VCL (vinculin; plus strand), LOC130004109 (ATAC-STARR-seq lymphoblastoid active region 3587; plus strand). Cytogenetic location: 10q22.2.
Variant type: single nucleotide variant.
Coding change: c.77T>G on transcript NM_014000.3 (MANE Select); coding-DNA position 77, T replaced by G.
Protein change: p.Met26Arg; replaces methionine 26 with arginine.
Molecular consequence: missense variant.
Genome position (GRCh38, 1-based): chr10:73,998,284, T>G. VCF-style: chr10-73998284-T-G. GRCh37 (hg19) VCF-style: chr10-75758042-T-G.
Other names: c.77T>G, p.Met26Arg (NM_003373.4); short protein forms M26R.
Identifiers: ClinVar variation 2914952 (VCV002914952.3), dbSNP rs2549180788, ClinGen allele CA377255049.